The following is an entry in ClinVar:

NM_001351132.2(PEX5):c.831C>T (p.Ala277=)

Gene: PEX5 (peroxisomal biogenesis factor 5; plus strand). Cytogenetic location: 12p13.31.
Variant type: single nucleotide variant.
Coding change: c.831C>T on transcript NM_001351132.2 (MANE Select); coding-DNA position 831, C replaced by T.
Protein change: p.Ala277=; no amino-acid change (alanine 277 retained).
Molecular consequence: synonymous variant.
Genome position (GRCh38, 1-based): chr12:7,202,689, C>T. VCF-style: chr12-7202689-C-T. GRCh37 (hg19) VCF-style: chr12-7355285-C-T.
Other names: c.831C>T, p.Ala277= (NM_000319.5, NM_001131025.2, NM_001131026.2 and 6 more transcripts); c.876C>T, p.Ala292= (NM_001131023.2); c.720C>T, p.Ala240= (NM_001131024.2, NM_001351124.3, NM_001351126.2 and 10 more transcripts); c.765C>T, p.Ala255= (NM_001351135.3, NM_001351138.2).
Identifiers: ClinVar variation 597810 (VCV000597810.16), dbSNP rs747216258, ClinGen allele CA6426286.

ClinVar aggregate classification (germline): Conflicting classifications of pathogenicity. Review status: criteria provided, conflicting classifications (1 of 4 stars). 3 submissions from 3 submitters: Uncertain significance (1); Likely benign (2). Last evaluated 2025-12-19.

Conditions:
PEX5-related disorder. Also called: PEX5-Related Disorders; PEX5-related condition.
Peroxisome biogenesis disorder 2B (PBD2B). Identifiers: Orphanet 44, MedGen C3550234, MONDO:0008736, OMIM 202370.

Allele frequency attached by ClinVar (database versions not stated): ExAC 0.00002; gnomAD exomes 0.00002; TOPMed 0.00002; gnomAD 0.00006.
gnomAD v4.1: 54 of 1,613,260 alleles (0.0033%); highest among the groups gnomAD compares: Admixed American, 0.005%; no homozygotes.

Submissions (3):

Labcorp Genetics (formerly Invitae), Labcorp
Classification: Likely benign for Peroxisome biogenesis disorder 2B. Last evaluated: 2025-12-19. Review status: criteria provided, single submitter. Criteria: Invitae Variant Classification Sherloc (09022015). Collection method: clinical testing. Allele origin: germline.

PreventionGenetics, part of Exact Sciences
Classification: Likely benign for PEX5-related condition. Last evaluated: 2025-01-28. Review status: criteria provided, single submitter. Criteria: ACMG Guidelines, 2015. Collection method: clinical testing. Allele origin: germline.
Comment: This variant is classified as likely benign based on ACMG/AMP sequence variant interpretation guidelines (Richards et al. 2015 PMID: 25741868, with internal and published modifications).

Eurofins Ntd Llc (ga)
Classification: Uncertain significance. Last evaluated: 2018-06-27. Review status: criteria provided, single submitter. Criteria: EGL ClinVar v180209 classification definitions. Collection method: clinical testing. Allele origin: germline. Observed: 1 variant allele, 1 heterozygote.